The following is an entry in ClinVar:

NM_213599.3(ANO5):c.1348A>G (p.Met450Val)

Gene: ANO5 (anoctamin 5; plus strand). Cytogenetic location: 11p14.3.
Variant type: single nucleotide variant.
Coding change: c.1348A>G on transcript NM_213599.3 (MANE Select); coding-DNA position 1348, A replaced by G.
Protein change: p.Met450Val; replaces methionine 450 with valine.
Molecular consequence: missense variant.
Genome position (GRCh38, 1-based): chr11:22,257,695, A>G. VCF-style: chr11-22257695-A-G. GRCh37 (hg19) VCF-style: chr11-22279241-A-G.
Other names: c.1345A>G, p.Met449Val (NM_001142649.2); short protein forms M449V, M450V.
Identifiers: ClinVar variation 1468254 (VCV001468254.8), dbSNP rs1362712764, ClinGen allele CA379921746.

ClinVar aggregate classification (germline): Uncertain significance (1 of 4 stars; one submission).

Conditions:
Gnathodiaphyseal dysplasia (GDD). Also called: GNATHODIAPHYSEAL SCLEROSIS; OSTEOGENESIS IMPERFECTA WITH UNUSUAL SKELETAL LESIONS. Identifiers: Orphanet 53697, MedGen C1833736, MONDO:0008151, OMIM 166260.
Autosomal recessive limb-girdle muscular dystrophy type 2L (LGMDR12). Also called: Limb-girdle muscular dystrophy, type 2L; MUSCULAR DYSTROPHY, LIMB-GIRDLE, AUTOSOMAL RECESSIVE 12; Limb-Girdle Muscular Dystrophy R12 Anoctamin-5-Related (LGMD-R12). Identifiers: Orphanet 206549, MedGen C1969785, MONDO:0012652, OMIM 611307.

Submission:

Labcorp Genetics (formerly Invitae), Labcorp
Classification: Uncertain significance for Autosomal recessive limb-girdle muscular dystrophy type 2L; Gnathodiaphyseal dysplasia. Last evaluated: 2022-07-19. Review status: criteria provided, single submitter. Criteria: Invitae Variant Classification Sherloc (09022015). Collection method: clinical testing. Allele origin: germline.
Comment: In summary, the available evidence is currently insufficient to determine the role of this variant in disease. Therefore, it has been classified as a Variant of Uncertain Significance. Advanced modeling of protein sequence and biophysical properties (such as structural, functional, and spatial information, amino acid conservation, physicochemical variation, residue mobility, and thermodynamic stability) performed at Invitae indicates that this missense variant is not expected to disrupt ANO5 protein function. ClinVar contains an entry for this variant (Variation ID: 1468254). This variant has not been reported in the literature in individuals affected with ANO5-related conditions. This variant is not present in population databases (gnomAD no frequency). This sequence change replaces methionine, which is neutral and non-polar, with valine, which is neutral and non-polar, at codon 450 of the ANO5 protein (p.Met450Val).